The following is an entry in ClinVar:

ClinVar aggregate classification (germline): Uncertain significance (1 of 4 stars; one submission).

Conditions:
Hereditary cancer-predisposing syndrome. Also called: Neoplastic Syndromes, Hereditary; Tumor predisposition; Hereditary Cancer Syndrome; Hereditary neoplastic syndrome. Identifiers: Orphanet 140162, MedGen C0027672, MeSH D009386, MONDO:0015356.

Submission:

Ambry Genetics
Classification: Uncertain significance for Hereditary cancer-predisposing syndrome. Last evaluated: 2022-05-14. Review status: criteria provided, single submitter. Criteria: Ambry Variant Classification Scheme 2023. Collection method: clinical testing. Allele origin: germline.
Comment: The p.Y749H variant (also known as c.2245T>C), located in coding exon 22 of the RB1 gene, results from a T to C substitution at nucleotide position 2245. The tyrosine at codon 749 is replaced by histidine, an amino acid with similar properties. This amino acid position is conserved. In addition, this alteration is predicted to be tolerated by in silico analysis. Since supporting evidence is limited at this time, the clinical significance of this alteration remains unclear.

NM_000321.3(RB1):c.2245T>C (p.Tyr749His)

Gene: RB1 (RB transcriptional corepressor 1; plus strand). Cytogenetic location: 13q14.2.
Variant type: single nucleotide variant.
Coding change: c.2245T>C on transcript NM_000321.3 (MANE Select); coding-DNA position 2245, T replaced by C.
Protein change: p.Tyr749His; replaces tyrosine 749 with histidine.
Molecular consequence: missense variant.
Genome position (GRCh38, 1-based): chr13:48,465,031, T>C. VCF-style: chr13-48465031-T-C. GRCh37 (hg19) VCF-style: chr13-49039167-T-C.
Other names: c.2245T>C, p.Tyr749His (NM_001407165.1); short protein forms Y749H.
Identifiers: ClinVar variation 1788339 (VCV001788339.2), dbSNP rs2138344682, ClinGen allele CA388167553.